The following is an entry in ClinVar:

NM_182961.4(SYNE1):c.20200-3T>C

Gene: SYNE1 (spectrin repeat containing nuclear envelope protein 1; minus strand). Cytogenetic location: 6q25.2.
Variant type: single nucleotide variant.
Coding change: c.20200-3T>C on transcript NM_182961.4 (MANE Select); 3 bases into the intron before coding-DNA position 20200, T replaced by C.
Molecular consequence: intron variant.
Genome position (GRCh38, 1-based): chr6:152,236,306, A>G on the plus strand (T>C on the coding strand, the complement: SYNE1 is on the minus strand). VCF-style: chr6-152236306-A-G. GRCh37 (hg19) VCF-style: chr6-152557441-A-G.
Other names: c.19987-3T>C (NM_033071.5).
Identifiers: ClinVar variation 283454 (VCV000283454.28), dbSNP rs770710698, ClinGen allele CA4054462.
Genomic context (GRCh38, chr6:152,236,306, plus strand): 5'-CATCATCTAATACTTGATATAATTTGGGCTGGTATTCATTAAGGCTAGATTTTAAATGCT[A>G]AAATATTGAAATTATTGAGTTAAAAGTTTGGATATGCAATTTTTGTCTTTAAGAATTATA-3'

ClinVar aggregate classification (germline): Conflicting classifications of pathogenicity. Review status: criteria provided, conflicting classifications (1 of 4 stars). 5 submissions from 5 submitters: Uncertain significance (4); Likely benign (1). Last evaluated 2025-11-01.

Conditions:
Autosomal recessive ataxia, Beauce type. Also called: ATAXIA, RECESSIVE, OF BEAUCE; Spinocerebellar ataxia, autosomal recessive 8; SYNE1-Related Autosomal Recessive Cerebellar Ataxia; SYNE1 Deficiency. Identifiers: Orphanet 88644, MedGen C1853116, MONDO:0012549, OMIM 610743.
Emery-Dreifuss muscular dystrophy 4, autosomal dominant (EDMD4). Also called: EMERY-DREIFUSS MUSCULAR DYSTROPHY 4 WITH VARIABLE FEATURES. Identifiers: Orphanet 261, MedGen C2751807, MONDO:0013071, OMIM 612998.

Allele frequency attached by ClinVar (database versions not stated): TOPMed 0.00006; gnomAD 0.00007; gnomAD exomes 0.00009 and 0.00010; ExAC 0.00012.
gnomAD v4.1: 146 of 1,604,932 alleles (0.0091%); highest among the groups gnomAD compares: Non-Finnish European, 0.012%; no homozygotes.

Submissions (5):

CeGaT Center for Human Genetics Tuebingen
Classification: Uncertain significance. Last evaluated: 2025-11-01. Review status: criteria provided, single submitter. Criteria: CeGaT Center For Human Genetics Tuebingen Variant Classification Criteria Version 2. Collection method: clinical testing. Allele origin: germline. Affected: yes. Observed: 1 variant allele.
Comment: SYNE1: PM2, BP4

Labcorp Genetics (formerly Invitae), Labcorp
Classification: Uncertain significance for Emery-Dreifuss muscular dystrophy 4, autosomal dominant; Autosomal recessive ataxia, Beauce type. Last evaluated: 2025-08-01. Review status: criteria provided, single submitter. Criteria: Invitae Variant Classification Sherloc (09022015). Collection method: clinical testing. Allele origin: germline.
Comment: This sequence change falls in intron 108 of the SYNE1 gene. It does not directly change the encoded amino acid sequence of the SYNE1 protein. It affects a nucleotide within the consensus splice site. This variant is present in population databases (rs770710698, gnomAD 0.02%). This variant has not been reported in the literature in individuals affected with SYNE1-related conditions. ClinVar contains an entry for this variant (Variation ID: 283454). Variants that disrupt the consensus splice site are a relatively common cause of aberrant splicing (PMID: 17576681, 9536098). Algorithms developed to predict the effect of sequence changes on RNA splicing suggest that this variant is not likely to affect RNA splicing. In summary, the available evidence is currently insufficient to determine the role of this variant in disease. Therefore, it has been classified as a Variant of Uncertain Significance.

Revvity Omics, Revvity
Classification: Uncertain significance. Last evaluated: 2022-03-29. Review status: criteria provided, single submitter. Criteria: ACMG Guidelines, 2015. Collection method: clinical testing. Allele origin: germline.

ARUP Laboratories, Molecular Genetics and Genomics, ARUP Laboratories
Classification: Likely benign. Last evaluated: 2018-08-27. Review status: criteria provided, single submitter. Criteria: ARUP Molecular Germline Variant Investigation Process. Collection method: clinical testing. Allele origin: germline.

Eurofins Ntd Llc (ga)
Classification: Uncertain significance. Last evaluated: 2015-09-22. Review status: criteria provided, single submitter. Criteria: EGL Classification Definitions 2015. Collection method: clinical testing. Allele origin: germline. Observed: 2 variant alleles, 2 heterozygotes.

Literature cited by the submitters: PubMed 17576681 (cited by Labcorp Genetics (formerly Invitae), Labcorp); PubMed 9536098 (cited by Labcorp Genetics (formerly Invitae), Labcorp).